The following is an entry in ClinVar:

ClinVar aggregate classification (germline): Uncertain significance (1 of 4 stars; one submission).

Conditions:
Autosomal dominant nonsyndromic hearing loss 1. Also called: KONIGSMARK SYNDROME; DEAFNESS, AUTOSOMAL DOMINANT 1, WITH OR WITHOUT THROMBOCYTOPENIA. Identifiers: Orphanet 90635, MedGen C1852282, MONDO:0007424, OMIM 124900.
Progressive microcephaly-seizures-cortical blindness-developmental delay syndrome. Also called: Seizures, cortical blindness, and microcephaly syndrome. Identifiers: Orphanet 477814, MedGen C5567650, MONDO:0014714, OMIM 616632.

gnomAD v4.1: 8 of 1,545,700 alleles (0.00052%); highest among the groups gnomAD compares: Middle Eastern, 0.017%; no homozygotes.

Submission:

Labcorp Genetics (formerly Invitae), Labcorp
Classification: Uncertain significance for Progressive microcephaly-seizures-cortical blindness-developmental delay syndrome; Autosomal dominant nonsyndromic hearing loss 1. Last evaluated: 2024-05-01. Review status: criteria provided, single submitter. Criteria: Invitae Variant Classification Sherloc (09022015). Collection method: clinical testing. Allele origin: germline.
Comment: This sequence change replaces glutamic acid, which is acidic and polar, with aspartic acid, which is acidic and polar, at codon 25 of the DIAPH1 protein (p.Glu25Asp). This variant is present in population databases (no rsID available, gnomAD 0.002%). This variant has not been reported in the literature in individuals affected with DIAPH1-related conditions. Experimental studies and prediction algorithms are not available or were not evaluated, and the functional significance of this variant is currently unknown. In summary, the available evidence is currently insufficient to determine the role of this variant in disease. Therefore, it has been classified as a Variant of Uncertain Significance.

NM_005219.5(DIAPH1):c.75G>C (p.Glu25Asp)

Gene: DIAPH1 (diaphanous related formin 1; minus strand). Cytogenetic location: 5q31.3.
Variant type: single nucleotide variant.
Coding change: c.75G>C on transcript NM_005219.5 (MANE Select); coding-DNA position 75, G replaced by C.
Protein change: p.Glu25Asp; replaces glutamic acid 25 with aspartic acid.
Molecular consequence: missense variant.
Genome position (GRCh38, 1-based): chr5:141,618,840, C>G on the plus strand (G>C on the coding strand, the complement: DIAPH1 is on the minus strand). VCF-style: chr5-141618840-C-G. GRCh37 (hg19) VCF-style: chr5-140998407-C-G.
Other names: c.75G>C, p.Glu25Asp (NM_001079812.3, NM_001314007.2); short protein forms E25D.
Identifiers: ClinVar variation 2945402 (VCV002945402.3), dbSNP rs760026257, ClinGen allele CA361508532.